The following is an entry in ClinVar:

ClinVar aggregate classification (germline): Uncertain significance (1 of 4 stars; one submission).

Allele frequency attached by ClinVar (database versions not stated): gnomAD exomes below 0.00001.
gnomAD v4.1: 1 of 1,614,220 alleles (0.000062%); highest among the groups gnomAD compares: Non-Finnish European, 0.000085%; no homozygotes.

Submission:

GeneDx
Classification: Uncertain significance. Last evaluated: 2022-07-07. Review status: criteria provided, single submitter. Criteria: GeneDx Variant Classification Process June 2021. Collection method: clinical testing. Allele origin: germline. Affected: yes.
Comment: Not observed at significant frequency in large population cohorts (gnomAD); In silico analysis supports that this missense variant does not alter protein structure/function; Has not been previously published as pathogenic or benign to our knowledge

NM_021224.6(ZNF462):c.6609C>G (p.Ile2203Met)

Gene: ZNF462 (zinc finger protein 462; plus strand). Cytogenetic location: 9q31.2.
Variant type: single nucleotide variant.
Coding change: c.6609C>G on transcript NM_021224.6 (MANE Select); coding-DNA position 6609, C replaced by G.
Protein change: p.Ile2203Met; replaces isoleucine 2203 with methionine.
Molecular consequence: missense variant.
Genome position (GRCh38, 1-based): chr9:106,972,186, C>G. VCF-style: chr9-106972186-C-G. GRCh37 (hg19) VCF-style: chr9-109734467-C-G.
Other names: c.4014C>G, p.Ile1338Met (NM_001347997.2); short protein forms I2203M, I1338M.
Identifiers: ClinVar variation 1810686 (VCV001810686.1), dbSNP rs2539272082, ClinGen allele CA374659746.